The following is an entry in ClinVar:

ClinVar aggregate classification (germline): Likely benign (1 of 4 stars; one submission).

Allele frequency attached by ClinVar (database versions not stated): ESP Exome Variant Server 0.00062; TOPMed 0.00116; gnomAD 0.00137; gnomAD exomes 0.00138; ExAC 0.00226; 1000 Genomes Project 0.00280; 1000 Genomes Project 30x 0.00297.
gnomAD v4.1: 2,225 of 1,580,126 alleles (0.14%); highest among the groups gnomAD compares: South Asian, 0.94%; 12 homozygotes.

Submission:

CeGaT Center for Human Genetics Tuebingen
Classification: Likely benign. Last evaluated: 2023-07-01. Review status: criteria provided, single submitter. Criteria: CeGaT Center For Human Genetics Tuebingen Variant Classification Criteria Version 2. Collection method: clinical testing. Allele origin: germline. Affected: yes. Observed: 2 variant alleles.
Comment: ANKRD12: BS2

NM_015208.5(ANKRD12):c.1816A>G (p.Ser606Gly)

Gene: ANKRD12 (ankyrin repeat domain 12; plus strand). Cytogenetic location: 18p11.22.
Variant type: single nucleotide variant.
Coding change: c.1816A>G on transcript NM_015208.5 (MANE Select); coding-DNA position 1816, A replaced by G.
Protein change: p.Ser606Gly; replaces serine 606 with glycine.
Molecular consequence: missense variant.
Genome position (GRCh38, 1-based): chr18:9,255,083, A>G. VCF-style: chr18-9255083-A-G. GRCh37 (hg19) VCF-style: chr18-9255081-A-G.
Other names: c.1747A>G, p.Ser583Gly (NM_001083625.3, NM_001204056.1); short protein forms S583G, S606G.
Identifiers: ClinVar variation 2648564 (VCV002648564.24), dbSNP rs141484109, ClinGen allele CA8887746.